The following is an entry in ClinVar:

NM_152468.5(TMC8):c.1902+91G>T

Gene: TMC8 (transmembrane channel like 8; plus strand). Cytogenetic location: 17q25.3.
Variant type: single nucleotide variant.
Coding change: c.1902+91G>T on transcript NM_152468.5 (MANE Select); 91 bases into the intron after coding-DNA position 1902, G replaced by T.
Molecular consequence: intron variant.
Genome position (GRCh38, 1-based): chr17:78,139,331, G>T. VCF-style: chr17-78139331-G-T. GRCh37 (hg19) VCF-style: chr17-76135412-G-T.
Identifiers: ClinVar variation 1250684 (VCV001250684.5), dbSNP rs17773854, ClinGen allele CA14412283.
Genomic context (GRCh38, chr17:78,139,331, plus strand): 5'-GCAGCTTCAGTGGAAACCCTTCCCTATGTGTGGCCGAGGGCCTAGAACACGTCTGAGCGG[G>T]TCAGGTGGGTTCTTCCCACTGGAGGGCGTGGCCTCAGGCTGAGAGTGAAGACGGGGAAGG-3'

ClinVar aggregate classification (germline): Benign. Review status: criteria provided, multiple submitters, no conflicts (2 of 4 stars). 3 submissions from 3 submitters: Benign (3). Last evaluated 2024-01-24.

Allele frequency attached by ClinVar (database versions not stated): 1000 Genomes Project 0.36641; 1000 Genomes Project 30x 0.36977; TOPMed 0.42498; gnomAD 0.43299 and 0.43742; gnomAD exomes 0.45078.

Submissions (3):

Unidad de Genómica Garrahan, Hospital de Pediatría Garrahan
Classification: Benign. Last evaluated: 2024-01-24. Review status: criteria provided, single submitter. Criteria: ACMG Guidelines, 2015. Collection method: clinical testing. Allele origin: germline. Affected: no. Observed: 44 variant alleles.
Comment: This variant is classified as Benign based on local population frequency. This variant was detected in 50% of patients studied by a panel of primary immunodeficiencies. Number of patients: 44. Only high quality variants are reported.

GeneDx
Classification: Benign. Last evaluated: 2018-07-09. Review status: criteria provided, single submitter. Criteria: GeneDx Variant Classification Process June 2021. Collection method: clinical testing. Allele origin: germline. Affected: yes.

Breakthrough Genomics
Classification: Benign. Review status: criteria provided, single submitter. Criteria: ACMG Guidelines, 2015. Collection method: not provided. Allele origin: germline. Inheritance: Autosomal recessive inheritance. Affected: yes.